The following is an entry in ClinVar:

NM_005585.5(SMAD6):c.791A>C (p.Tyr264Ser)

Gene: SMAD6 (SMAD family member 6; plus strand). Cytogenetic location: 15q22.31.
Variant type: single nucleotide variant.
Coding change: c.791A>C on transcript NM_005585.5 (MANE Select); coding-DNA position 791, A replaced by C.
Protein change: p.Tyr264Ser; replaces tyrosine 264 with serine.
Molecular consequence: missense variant. On other transcripts: non-coding transcript variant (1).
Genome position (GRCh38, 1-based): chr15:66,704,049, A>C. VCF-style: chr15-66704049-A-C. GRCh37 (hg19) VCF-style: chr15-66996387-A-C.
Other names: short protein forms Y264S.
Identifiers: ClinVar variation 3781017 (VCV003781017.1).

ClinVar aggregate classification (germline): Uncertain significance (1 of 4 stars; one submission).

gnomAD v4.1: 4 of 1,507,222 alleles (0.00027%); highest among the groups gnomAD compares: Non-Finnish European, 0.00035%; no homozygotes.

Submission:

GeneDx
Classification: Uncertain significance. Last evaluated: 2024-10-18. Review status: criteria provided, single submitter. Criteria: GeneDx Variant Classification Process June 2021. Collection method: clinical testing. Allele origin: germline. Affected: yes.
Comment: Not observed at significant frequency in large population cohorts (gnomAD); In silico analysis supports that this missense variant has a deleterious effect on protein structure/function; Has not been previously published as pathogenic or benign to our knowledge